The following is an entry in ClinVar:

NC_000016.10:g.(?_8847701)_(8847845_?)del

Gene: PMM2 (phosphomannomutase 2; plus strand). Cytogenetic location: 16p13.2.
Variant type: Deletion.
Identifiers: ClinVar variation 833417 (VCV000833417.1).

ClinVar aggregate classification (germline): Likely pathogenic (1 of 4 stars; one submission).

Conditions:
PMM2-congenital disorder of glycosylation. Also called: CDG Ia; JAEKEN SYNDROME; Congenital disorder of glycosylation, type Ia; PHOSPHOMANNOMUTASE 2 DEFICIENCY; CARBOHYDRATE-DEFICIENT GLYCOPROTEIN SYNDROME, TYPE Ia; PMM2-CDG. Identifiers: Orphanet 79318, MedGen C0349653, MONDO:0008907, OMIM 212065.

Submission:

Labcorp Genetics (formerly Invitae), Labcorp
Classification: Likely pathogenic for Congenital disorder of glycosylation, type Ia. Last evaluated: 2019-05-10. Review status: criteria provided, single submitter. Criteria: Invitae Variant Classification Sherloc (09022015). Collection method: clinical testing. Allele origin: germline.
Comment: This variant is a gross deletion of the genomic region encompassing exon 8 of the PMM2 gene. The 5' boundary is likely confined to intron 7. The 3' end of this event is unknown as it extends through the termination codon beyond the assayed region for this gene and may encompass additional genes. While this deletion is not anticipated to result in nonsense mediated decay, it is expected to create a truncated protein product or disrupt mRNA translation. A deletion of PMM2 exon 8 has been observed in an individual affected with PMM2-CDG (PMID: 17307006). This variant disrupts the p.Thr237 amino acid residue in PMM2. Other variant(s) that disrupt this residue have been observed in affected individuals (PMID: 9497260, 10602363, 15714316, 25355454, 23430838, 23988505), suggesting that it is a clinically significant residue. As a result, variants that disrupt this residue are likely to be causative of disease. In summary, the currently available evidence indicates that the variant is pathogenic, but additional data are needed to prove that conclusively. Therefore, this variant has been classified as Likely Pathogenic.

Literature cited by the submitters: PubMed 17307006; PubMed 10602363; PubMed 25355454; PubMed 23988505; PubMed 9497260; PubMed 15714316; PubMed 23430838.